The following is an entry in ClinVar:

NM_001270.4(CHD1):c.1697A>G (p.Asn566Ser)

Gene: CHD1 (chromodomain helicase DNA binding protein 1; minus strand). Cytogenetic location: 5q15.
Variant type: single nucleotide variant.
Coding change: c.1697A>G on transcript NM_001270.4 (MANE Select); coding-DNA position 1697, A replaced by G.
Protein change: p.Asn566Ser; replaces asparagine 566 with serine.
Molecular consequence: missense variant. On other transcripts: non-coding transcript variant (2).
Genome position (GRCh38, 1-based): chr5:98,896,239, T>C on the plus strand (A>G on the coding strand, the complement: CHD1 is on the minus strand). VCF-style: chr5-98896239-T-C. GRCh37 (hg19) VCF-style: chr5-98231943-T-C.
Other names: c.1697A>G, p.Asn566Ser (NM_001364113.3, NM_001376194.2); short protein forms N566S.
Identifiers: ClinVar variation 2572343 (VCV002572343.2), dbSNP rs1395454839, ClinGen allele CA360518399.

ClinVar aggregate classification (germline): Uncertain significance. Review status: criteria provided, multiple submitters, no conflicts (2 of 4 stars). 2 submissions from 2 submitters: Uncertain significance (2). Last evaluated 2025-12-10.

Allele frequency attached by ClinVar (database versions not stated): gnomAD 0.00001; gnomAD exomes 0.00001; TOPMed 0.00001.
gnomAD v4.1: 12 of 1,612,772 alleles (0.00074%); highest among the groups gnomAD compares: Non-Finnish European, 0.001%; no homozygotes.

Submissions (2):

Ambry Genetics
Classification: Uncertain significance. Last evaluated: 2025-12-10. Review status: criteria provided, single submitter. Criteria: Ambry Variant Classification Scheme 2023. Collection method: clinical testing. Allele origin: germline.

Greenwood Genetic Center Diagnostic Laboratories, Greenwood Genetic Center
Classification: Uncertain significance. Last evaluated: 2023-04-18. Review status: criteria provided, single submitter. Criteria: ACMG Guidelines, 2015. Collection method: clinical testing. Allele origin: germline. Affected: yes.
Comment: BP4, PP2